The following is an entry in ClinVar:

NM_002582.4(PARN):c.1249C>A (p.Pro417Thr)

Gene: PARN (poly(A)-specific ribonuclease; minus strand). Cytogenetic location: 16p13.12.
Variant type: single nucleotide variant.
Coding change: c.1249C>A on transcript NM_002582.4 (MANE Select); coding-DNA position 1249, C replaced by A.
Protein change: p.Pro417Thr; replaces proline 417 with threonine.
Molecular consequence: missense variant.
Genome position (GRCh38, 1-based): chr16:14,580,887, G>T on the plus strand (C>A on the coding strand, the complement: PARN is on the minus strand). VCF-style: chr16-14580887-G-T. GRCh37 (hg19) VCF-style: chr16-14674744-G-T.
Other names: c.1066C>A, p.Pro356Thr (NM_001134477.3); c.1111C>A, p.Pro371Thr (NM_001242992.2); short protein forms P356T, P417T, P371T.
Identifiers: ClinVar variation 2929619 (VCV002929619.3), dbSNP rs765573306, ClinGen allele CA7912104.
Genomic context (GRCh38, chr16:14,580,887, plus strand): 5'-GTTCCACAGTGAGAGAACTTGGAAACTGGAACTCTCTGATTACTTACTTGTTAAAAAAAG[G>T]TTCAATGAGTTTTGATCTGGCAGACACATGAATTTTTGGAGGGCTGAGAAAAGAACCTAA-3'
Protein context (NP_002573.1, residues 407-427): HVSARSKLIE[Pro417Thr]FFNKLFLMRV

ClinVar aggregate classification (germline): Uncertain significance (1 of 4 stars; one submission).

Conditions:
Dyskeratosis congenita, autosomal recessive 6 (DKCB6). Identifiers: MedGen C4225356, MONDO:0014600, OMIM 616353.
Pulmonary fibrosis and/or bone marrow failure, Telomere-related, 4. Also called: PULMONARY FIBROSIS AND/OR BONE MARROW FAILURE SYNDROME, TELOMERE-RELATED, 4. Identifiers: Orphanet 2032, MedGen C4225347, MONDO:0014612, OMIM 616371.

Allele frequency attached by ClinVar (database versions not stated): ExAC 0.00003.
gnomAD v4.1: 14 of 1,604,016 alleles (0.00087%); highest among the groups gnomAD compares: South Asian, 0.0044%; no homozygotes.

Submission:

Labcorp Genetics (formerly Invitae), Labcorp
Classification: Uncertain significance for Dyskeratosis congenita, autosomal recessive 6; Pulmonary fibrosis and/or bone marrow failure, Telomere-related, 4. Last evaluated: 2024-01-03. Review status: criteria provided, single submitter. Criteria: Invitae Variant Classification Sherloc (09022015). Collection method: clinical testing. Allele origin: germline.
Comment: This sequence change replaces proline, which is neutral and non-polar, with threonine, which is neutral and polar, at codon 417 of the PARN protein (p.Pro417Thr). This variant is present in population databases (rs765573306, gnomAD 0.006%). This variant has not been reported in the literature in individuals affected with PARN-related conditions. Advanced modeling of protein sequence and biophysical properties (such as structural, functional, and spatial information, amino acid conservation, physicochemical variation, residue mobility, and thermodynamic stability) performed at Invitae indicates that this missense variant is not expected to disrupt PARN protein function with a negative predictive value of 80%. In summary, the available evidence is currently insufficient to determine the role of this variant in disease. Therefore, it has been classified as a Variant of Uncertain Significance.